The following is an entry in ClinVar:

ClinVar aggregate classification (germline): Pathogenic (1 of 4 stars; one submission).

Conditions:
X-linked agammaglobulinemia with growth hormone deficiency (IGHD3). Also called: AGAMMAGLOBULINEMIA AND ISOLATED GROWTH HORMONE DEFICIENCY, X-LINKED; FLEISHER SYNDROME; Isolated growth hormone deficiency type 3; Growth hormone deficiency with hypogammaglobulinemia; HYPOGAMMAGLOBULINEMIA AND ISOLATED GROWTH HORMONE DEFICIENCY, X-LINKED; IGHD III. Identifiers: Orphanet 231692, Orphanet 631, MedGen C0472813, MONDO:0010615, OMIM 307200.

Submission:

Labcorp Genetics (formerly Invitae), Labcorp
Classification: Pathogenic for X-linked agammaglobulinemia with growth hormone deficiency. Last evaluated: 2023-01-17. Review status: criteria provided, single submitter. Criteria: Invitae Variant Classification Sherloc (09022015). Collection method: clinical testing. Allele origin: germline.
Comment: For these reasons, this variant has been classified as Pathogenic. Advanced modeling of protein sequence and biophysical properties (such as structural, functional, and spatial information, amino acid conservation, physicochemical variation, residue mobility, and thermodynamic stability) performed at Invitae indicates that this missense variant is expected to disrupt BTK protein function. This variant is also known as c.1912G >C. This missense change has been observed in individual(s) with X-linked recessive agammaglobulinemia (PMID: 10859027, 11742281). This variant is not present in population databases (gnomAD no frequency). This sequence change replaces glycine, which is neutral and non-polar, with arginine, which is basic and polar, at codon 594 of the BTK protein (p.Gly594Arg).

Literature cited by the submitters: PubMed 10859027; PubMed 11742281.

NM_000061.3(BTK):c.1780G>C (p.Gly594Arg)

Gene: BTK (Bruton tyrosine kinase; minus strand). Cytogenetic location: Xq22.1.
Variant type: single nucleotide variant.
Coding change: c.1780G>C on transcript NM_000061.3 (MANE Select); coding-DNA position 1780, G replaced by C.
Protein change: p.Gly594Arg; replaces glycine 594 with arginine.
Molecular consequence: missense variant.
Genome position (GRCh38, 1-based): chrX:101,353,322, C>G on the plus strand (G>C on the coding strand, the complement: BTK is on the minus strand). VCF-style: chrX-101353322-C-G. GRCh37 (hg19) VCF-style: chrX-100608310-C-G.
Other names: c.1882G>C, p.Gly628Arg (NM_001287344.2); c.1252G>C, p.Gly418Arg (NM_001287345.2); short protein forms G418R, G594R, G628R.
Identifiers: ClinVar variation 2737284 (VCV002737284.3), dbSNP rs1555977339, ClinGen allele CA413919436.